The following is an entry in ClinVar:

ClinVar aggregate classification (germline): Uncertain significance (1 of 4 stars; one submission).

Conditions:
FAT1-related disorder. Also called: FAT1-related condition.

Submission:

PreventionGenetics, part of Exact Sciences
Classification: Uncertain significance for FAT1-related condition. Last evaluated: 2025-07-04. Review status: criteria provided, single submitter. Criteria: ACMG Guidelines, 2015. Collection method: clinical testing. Allele origin: germline.
Comment: The FAT1 c.2058G>C variant is predicted to result in the amino acid substitution p.Lys686Asn. To our knowledge, this variant has not been reported in the literature or in a large population database (gnomAD), indicating this variant is rare. At this time, the clinical significance of this variant is uncertain due to the absence of conclusive functional and genetic evidence.

NM_005245.4(FAT1):c.2058G>C (p.Lys686Asn)

Gene: FAT1 (FAT atypical cadherin 1; minus strand). Cytogenetic location: 4q35.2.
Variant type: single nucleotide variant.
Coding change: c.2058G>C on transcript NM_005245.4 (MANE Select); coding-DNA position 2058, G replaced by C.
Protein change: p.Lys686Asn; replaces lysine 686 with asparagine.
Molecular consequence: missense variant.
Genome position (GRCh38, 1-based): chr4:186,707,770, C>G on the plus strand (G>C on the coding strand, the complement: FAT1 is on the minus strand). VCF-style: chr4-186707770-C-G. GRCh37 (hg19) VCF-style: chr4-187628924-C-G.
Other names: c.2058G>C, p.Lys686Asn (NM_001440455.1, NM_001440456.1, NM_001440457.1); short protein forms K686N.
Identifiers: ClinVar variation 5002455 (VCV005002455.1).